The following is an entry in ClinVar:

ClinVar aggregate classification (germline): Likely benign. Review status: criteria provided, multiple submitters, no conflicts (2 of 4 stars). 6 submissions from 6 submitters: Likely benign (5). 1 of the submissions does not count toward it. Last evaluated 2025-09-03.

Conditions:
Familial hypercholesterolemia. Also called: Familial hypercholesterolemias; Familial hypercholesterolaemia. Identifiers: MedGen C0020445, MONDO:0005439.
Cardiovascular phenotype. Identifiers: MedGen CN230736.
Hypercholesterolemia, familial, 4 (FHCL4). Also called: HYPERCHOLESTEROLEMIA, AUTOSOMAL RECESSIVE, 1; HYPERCHOLESTEROLEMIA, AUTOSOMAL RECESSIVE, 2. Identifiers: Orphanet 391665, MedGen C1863512, MONDO:0011374, OMIM 603813.

Allele frequency attached by ClinVar (database versions not stated): ExAC 0.00003; gnomAD 0.00003; gnomAD exomes 0.00003; TOPMed 0.00003; 1000 Genomes Project 30x 0.00016; 1000 Genomes Project 0.00020.

Submissions (6):

Labcorp Genetics (formerly Invitae), Labcorp
Classification: Likely benign for Hypercholesterolemia, familial, 4. Last evaluated: 2025-09-03. Review status: criteria provided, single submitter. Criteria: Invitae Variant Classification Sherloc (09022015). Collection method: clinical testing. Allele origin: germline.

CeGaT Center for Human Genetics Tuebingen
Classification: Likely benign. Last evaluated: 2024-09-01. Review status: criteria provided, single submitter. Criteria: CeGaT Center For Human Genetics Tuebingen Variant Classification Criteria Version 2. Collection method: clinical testing. Allele origin: germline. Affected: yes. Observed: 1 variant allele.
Comment: LDLRAP1: BP4, BP7

GENinCode PLC
Classification: Likely benign for Hypercholesterolemia, familial, 4. Last evaluated: 2023-06-11. Review status: criteria provided, single submitter. Criteria: ACMG Guidelines, 2015. Collection method: clinical testing. Allele origin: germline.
Comment: This is a synonymous (silent) variant that is not predicted by SpliceAI to impact splicing. In addition, it occurs at a nucleotide that is not conserved. Therefore this variant has been classified as Likely Benign (BP4, BP7).

Genome-Nilou Lab
Classification: Likely benign for Hypercholesterolemia, familial, 4. Last evaluated: 2023-04-11. Review status: criteria provided, single submitter. Criteria: ACMG Guidelines, 2015. Collection method: clinical testing. Allele origin: germline. Affected: no.

Ambry Genetics
Classification: Likely benign for Cardiovascular phenotype. Last evaluated: 2021-07-01. Review status: criteria provided, single submitter. Criteria: Ambry Variant Classification Scheme 2023. Collection method: clinical testing. Allele origin: germline.

Natera, Inc.
Classification: Likely benign for Familial hypercholesterolemia. Last evaluated: 2020-05-01. Review status: no assertion criteria provided. Collection method: clinical testing. Allele origin: germline. Not counted in ClinVar's aggregate classification.

NM_015627.3(LDLRAP1):c.621C>T (p.Val207=)

Gene: LDLRAP1 (low density lipoprotein receptor adaptor protein 1; plus strand). Cytogenetic location: 1p36.11.
Variant type: single nucleotide variant.
Coding change: c.621C>T on transcript NM_015627.3 (MANE Select); coding-DNA position 621, C replaced by T.
Protein change: p.Val207=; no amino-acid change (valine 207 retained).
Molecular consequence: synonymous variant.
Genome position (GRCh38, 1-based): chr1:25,563,665, C>T. VCF-style: chr1-25563665-C-T. GRCh37 (hg19) VCF-style: chr1-25890156-C-T.
Identifiers: ClinVar variation 699056 (VCV000699056.30), dbSNP rs554028072, ClinGen allele CA695680.